The following is an entry in ClinVar:

NM_017950.4(CCDC40):c.3193A>C (p.Ile1065Leu)

Gene: CCDC40 (coiled-coil domain 40 molecular ruler complex subunit; plus strand). Cytogenetic location: 17q25.3.
Variant type: single nucleotide variant.
Coding change: c.3193A>C on transcript NM_017950.4 (MANE Select); coding-DNA position 3193, A replaced by C.
Protein change: p.Ile1065Leu; replaces isoleucine 1065 with leucine.
Molecular consequence: missense variant.
Genome position (GRCh38, 1-based): chr17:80,099,539, A>C. VCF-style: chr17-80099539-A-C. GRCh37 (hg19) VCF-style: chr17-78073338-A-C.
Other names: short protein forms I1065L.
Identifiers: ClinVar variation 3649098 (VCV003649098.2).

ClinVar aggregate classification (germline): Uncertain significance (1 of 4 stars; one submission).

Conditions:
Primary ciliary dyskinesia. Also called: Ciliary dyskinesia. Identifiers: Orphanet 244, MedGen C0008780, MONDO:0016575, HP:0012265.

Submission:

Labcorp Genetics (formerly Invitae), Labcorp
Classification: Uncertain significance for Primary ciliary dyskinesia. Last evaluated: 2024-04-07. Review status: criteria provided, single submitter. Criteria: Invitae Variant Classification Sherloc (09022015). Collection method: clinical testing. Allele origin: germline.
Comment: This sequence change replaces isoleucine, which is neutral and non-polar, with leucine, which is neutral and non-polar, at codon 1065 of the CCDC40 protein (p.Ile1065Leu). This variant is not present in population databases (gnomAD no frequency). This variant has not been reported in the literature in individuals affected with CCDC40-related conditions. Advanced modeling of protein sequence and biophysical properties (such as structural, functional, and spatial information, amino acid conservation, physicochemical variation, residue mobility, and thermodynamic stability) performed at Invitae indicates that this missense variant is not expected to disrupt CCDC40 protein function with a negative predictive value of 80%. In summary, the available evidence is currently insufficient to determine the role of this variant in disease. Therefore, it has been classified as a Variant of Uncertain Significance.